The following is an entry in ClinVar:

ClinVar aggregate classification (germline): Uncertain significance (1 of 4 stars; one submission).

Conditions:
Autosomal recessive ataxia, Beauce type. Also called: SYNE1-Related Autosomal Recessive Cerebellar Ataxia; Spinocerebellar ataxia, autosomal recessive 8; ATAXIA, RECESSIVE, OF BEAUCE; SYNE1 Deficiency. Identifiers: Orphanet 88644, MedGen C1853116, MONDO:0012549, OMIM 610743.
Emery-Dreifuss muscular dystrophy 4, autosomal dominant (EDMD4). Also called: EMERY-DREIFUSS MUSCULAR DYSTROPHY 4 WITH VARIABLE FEATURES. Identifiers: Orphanet 261, MedGen C2751807, MONDO:0013071, OMIM 612998.

Submission:

Labcorp Genetics (formerly Invitae), Labcorp
Classification: Uncertain significance for Emery-Dreifuss muscular dystrophy 4, autosomal dominant; Autosomal recessive ataxia, Beauce type. Last evaluated: 2022-03-22. Review status: criteria provided, single submitter. Criteria: Invitae Variant Classification Sherloc (09022015). Collection method: clinical testing. Allele origin: germline.
Comment: This variant is not present in population databases (gnomAD no frequency). This variant has not been reported in the literature in individuals affected with SYNE1-related conditions. Algorithms developed to predict the effect of missense changes on protein structure and function are either unavailable or do not agree on the potential impact of this missense change (SIFT: "Deleterious"; PolyPhen-2: "Possibly Damaging"; Align-GVGD: "Class C0"). In summary, the available evidence is currently insufficient to determine the role of this variant in disease. Therefore, it has been classified as a Variant of Uncertain Significance. This sequence change replaces methionine, which is neutral and non-polar, with isoleucine, which is neutral and non-polar, at codon 492 of the SYNE1 protein (p.Met492Ile).

NM_182961.4(SYNE1):c.1455G>A (p.Met485Ile)

Gene: SYNE1 (spectrin repeat containing nuclear envelope protein 1; minus strand). Cytogenetic location: 6q25.2.
Variant type: single nucleotide variant.
Coding change: c.1455G>A on transcript NM_182961.4 (MANE Select); coding-DNA position 1455, G replaced by A.
Protein change: p.Met485Ile; replaces methionine 485 with isoleucine.
Molecular consequence: missense variant.
Genome position (GRCh38, 1-based): chr6:152,472,309, C>T on the plus strand (G>A on the coding strand, the complement: SYNE1 is on the minus strand). VCF-style: chr6-152472309-C-T. GRCh37 (hg19) VCF-style: chr6-152793444-C-T.
Other names: c.1476G>A, p.Met492Ile (NM_033071.5); short protein forms M485I, M492I.
Identifiers: ClinVar variation 1497516 (VCV001497516.8), dbSNP rs2154279827, ClinGen allele CA366133883.